The following is an entry in ClinVar:

NM_032608.7(MYO18B):c.7636A>G (p.Arg2546Gly)

Gene: MYO18B (myosin XVIIIB; plus strand). Cytogenetic location: 22q12.1.
Variant type: single nucleotide variant.
Coding change: c.7636A>G on transcript NM_032608.7 (MANE Select); coding-DNA position 7636, A replaced by G.
Protein change: p.Arg2546Gly; replaces arginine 2546 with glycine.
Molecular consequence: missense variant.
Genome position (GRCh38, 1-based): chr22:26,027,610, A>G. VCF-style: chr22-26027610-A-G. GRCh37 (hg19) VCF-style: chr22-26423576-A-G.
Other names: c.7639A>G, p.Arg2547Gly (NM_001318245.2); c.7636A>G (NM_032608.5); short protein forms R2546G, R2547G.
Identifiers: ClinVar variation 1971493 (VCV001971493.6), dbSNP rs1161519653, ClinGen allele CA411013163.

ClinVar aggregate classification (germline): Uncertain significance. Review status: criteria provided, multiple submitters, no conflicts (2 of 4 stars). 2 submissions from 2 submitters: Uncertain significance (2). Last evaluated 2025-04-07.

Conditions:
Inborn genetic diseases. Identifiers: MedGen C0950123, MeSH D030342.

Allele frequency attached by ClinVar (database versions not stated): gnomAD exomes below 0.00001; TOPMed below 0.00001; gnomAD 0.00001.
gnomAD v4.1: 2 of 1,613,800 alleles (0.00012%); highest among the groups gnomAD compares: East Asian, 0.0045%; no homozygotes.

Submissions (2):

Ambry Genetics
Classification: Uncertain significance for Inborn genetic diseases. Last evaluated: 2025-04-07. Review status: criteria provided, single submitter. Criteria: Ambry Variant Classification Scheme 2023. Collection method: clinical testing. Allele origin: germline.

Labcorp Genetics (formerly Invitae), Labcorp
Classification: Uncertain significance. Last evaluated: 2022-05-08. Review status: criteria provided, single submitter. Criteria: Invitae Variant Classification Sherloc (09022015). Collection method: clinical testing. Allele origin: germline.
Comment: This sequence change replaces arginine, which is basic and polar, with glycine, which is neutral and non-polar, at codon 2546 of the MYO18B protein (p.Arg2546Gly). This variant is present in population databases (no rsID available, gnomAD 0.01%). This variant has not been reported in the literature in individuals affected with MYO18B-related conditions. Algorithms developed to predict the effect of missense changes on protein structure and function output the following: SIFT: "Not Available"; PolyPhen-2: "Possibly Damaging"; Align-GVGD: "Not Available". The glycine amino acid residue is found in multiple mammalian species, which suggests that this missense change does not adversely affect protein function. In summary, the available evidence is currently insufficient to determine the role of this variant in disease. Therefore, it has been classified as a Variant of Uncertain Significance.